The following is an entry in ClinVar:

ClinVar aggregate classification (germline): Uncertain significance (1 of 4 stars; one submission).

Conditions:
Inborn genetic diseases. Identifiers: MedGen C0950123, MeSH D030342.

Submission:

Ambry Genetics
Classification: Uncertain significance for Inborn genetic diseases. Last evaluated: 2021-07-13. Review status: criteria provided, single submitter. Criteria: Ambry Variant Classification Scheme 2023. Collection method: clinical testing. Allele origin: germline.
Comment: The p.G505C variant (also known as c.1513G>T), located in coding exon 14 of the FUS gene, results from a G to T substitution at nucleotide position 1513. The glycine at codon 505 is replaced by cysteine, an amino acid with highly dissimilar properties. This amino acid position is conserved. In addition, this alteration is predicted to be deleterious by in silico analysis. Since supporting evidence is limited at this time, the clinical significance of this alteration remains unclear.

NM_004960.4(FUS):c.1513G>T (p.Gly505Cys)

Gene: FUS (FUS RNA binding protein; plus strand). Cytogenetic location: 16p11.2.
Variant type: single nucleotide variant.
Coding change: c.1513G>T on transcript NM_004960.4 (MANE Select); coding-DNA position 1513, G replaced by T.
Protein change: p.Gly505Cys; replaces glycine 505 with cysteine.
Molecular consequence: missense variant. On other transcripts: non-coding transcript variant (1).
Genome position (GRCh38, 1-based): chr16:31,191,082, G>T. VCF-style: chr16-31191082-G-T. GRCh37 (hg19) VCF-style: chr16-31202403-G-T.
Other names: c.1510G>T, p.Gly504Cys (NM_001170634.1); c.1501G>T, p.Gly501Cys (NM_001170937.1); short protein forms G501C, G504C, G505C.
Identifiers: ClinVar variation 1774271 (VCV001774271.2), dbSNP rs2544279526, ClinGen allele CA395676017.